The following is an entry in ClinVar:

NM_001378609.3(OTOGL):c.967A>C (p.Ile323Leu)

Gene: OTOGL (otogelin like; plus strand). Cytogenetic location: 12q21.31.
Variant type: single nucleotide variant.
Coding change: c.967A>C on transcript NM_001378609.3 (MANE Select); coding-DNA position 967, A replaced by C.
Protein change: p.Ile323Leu; replaces isoleucine 323 with leucine.
Molecular consequence: missense variant.
Genome position (GRCh38, 1-based): chr12:80,239,354, A>C. VCF-style: chr12-80239354-A-C. GRCh37 (hg19) VCF-style: chr12-80633134-A-C.
Other names: c.967A>C, p.Ile323Leu (NM_001368062.3, NM_001378610.3, NM_173591.7); short protein forms I323L.
Identifiers: ClinVar variation 2368935 (VCV002368935.4), dbSNP rs370839911, ClinGen allele CA6700334.

ClinVar aggregate classification (germline): Uncertain significance. Review status: criteria provided, multiple submitters, no conflicts (2 of 4 stars). 2 submissions from 2 submitters: Uncertain significance (2). Last evaluated 2025-07-14.

Conditions:
Inborn genetic diseases. Identifiers: MedGen C0950123, MeSH D030342.

Allele frequency attached by ClinVar (database versions not stated): gnomAD exomes 0.00001; ExAC 0.00004; gnomAD 0.00007; TOPMed 0.00008; ESP Exome Variant Server 0.00017.
gnomAD v4.1: 18 of 1,609,006 alleles (0.0011%); highest among the groups gnomAD compares: African/African-American, 0.02%; no homozygotes.

Submissions (2):

GeneDx
Classification: Uncertain significance. Last evaluated: 2025-07-14. Review status: criteria provided, single submitter. Criteria: GeneDx Variant Classification Process June 2021. Collection method: clinical testing. Allele origin: germline. Affected: yes.
Comment: In silico analysis suggests that this missense variant does not alter protein structure/function; Has not been previously published as pathogenic or benign to our knowledge

Ambry Genetics
Classification: Uncertain significance for Inborn genetic diseases. Last evaluated: 2021-11-12. Review status: criteria provided, single submitter. Criteria: Ambry Variant Classification Scheme 2023. Collection method: clinical testing. Allele origin: germline.